The following is an entry in ClinVar:

NM_014363.6(SACS):c.1038G>A (p.Pro346=)

Gene: SACS (sacsin molecular chaperone; minus strand). Cytogenetic location: 13q12.12.
Variant type: single nucleotide variant.
Coding change: c.1038G>A on transcript NM_014363.6 (MANE Select); coding-DNA position 1038, G replaced by A.
Protein change: p.Pro346=; no amino-acid change (proline 346 retained).
Molecular consequence: synonymous variant.
Genome position (GRCh38, 1-based): chr13:23,355,574, C>T on the plus strand (G>A on the coding strand, the complement: SACS is on the minus strand). VCF-style: chr13-23355574-C-T. GRCh37 (hg19) VCF-style: chr13-23929713-C-T.
Other names: c.597G>A, p.Pro199= (NM_001278055.2); c.1038G>A (NM_014363.5).
Identifiers: ClinVar variation 1093036 (VCV001093036.11), dbSNP rs771344425, ClinGen allele CA6911984.
Genomic context (GRCh38, chr13:23,355,574, plus strand): 5'-ATTGCTTGGAGTCTTTTTACAATAGTTACTTATAGCAGTTCCCAGAATCTTTATAGAATT[C>T]GGCCGCTCATGTTTCAGTGCCTTACTCTCACTCGAAGTCACTCTAAACACCAGTTTCTCT-3'
Protein context (NP_055178.3, residues 336-356): SESKALKHER[Pro346=]NSIKILGTAI

ClinVar aggregate classification (germline): Conflicting classifications of pathogenicity. Review status: criteria provided, conflicting classifications (1 of 4 stars). 3 submissions from 3 submitters: Likely pathogenic (1); Likely benign (2). Last evaluated 2026-05-13.

Conditions:
SACS-related disorder. Also called: SACS-related condition.
Spastic paraplegia. Identifiers: MedGen C0037772, HP:0001258.
Charlevoix-Saguenay spastic ataxia (SACS). Also called: Spastic ataxia of Charlevoix-Saguenay; SPASTIC ATAXIA 6, AUTOSOMAL RECESSIVE; AUTOSOMAL RECESSIVE SPASTIC ATAXIA OF CHARLEVOIX-SAGUENAY. Identifiers: Orphanet 98, MedGen C1849140, MONDO:0010041, OMIM 270550.

Allele frequency attached by ClinVar (database versions not stated): gnomAD 0.00001; gnomAD exomes 0.00001 and 0.00004; TOPMed 0.00001; ExAC 0.00002.
gnomAD v4.1: 19 of 1,613,966 alleles (0.0012%); highest among the groups gnomAD compares: Middle Eastern, 0.016%; no homozygotes.

Submissions (3):

PreventionGenetics, part of Exact Sciences
Classification: Likely benign for SACS-related condition. Last evaluated: 2026-05-13. Review status: criteria provided, single submitter. Criteria: ACMG Guidelines, 2015. Collection method: clinical testing. Allele origin: germline.
Comment: This variant is classified as likely benign based on ACMG/AMP sequence variant interpretation guidelines (Richards et al. 2015 PMID: 25741868, with internal and published modifications).

Labcorp Genetics (formerly Invitae), Labcorp
Classification: Likely benign for Spastic paraplegia. Last evaluated: 2025-10-02. Review status: criteria provided, single submitter. Criteria: Invitae Variant Classification Sherloc (09022015). Collection method: clinical testing. Allele origin: germline.

PROSPAX: an integrated multimodal progression  chart in spastic ataxias, Center for Neurology; Hertie-Institute for Clinical Brain Research
Classification: Likely pathogenic for Charlevoix-Saguenay spastic ataxia. Last evaluated: 2022-01-01. Review status: criteria provided, single submitter. Criteria: ACMG Guidelines, 2015. Collection method: research. Allele origin: germline. Affected: yes.